The following is an entry in ClinVar:

ClinVar aggregate classification (germline): Uncertain significance (1 of 4 stars; one submission).

Conditions:
SETD5-related disorder. Also called: SETD5-related disorders; SETD5-related condition.

Submission:

PreventionGenetics, part of Exact Sciences
Classification: Uncertain significance for SETD5-related condition. Last evaluated: 2022-09-01. Review status: criteria provided, single submitter. Criteria: ACMG Guidelines, 2015. Collection method: clinical testing. Allele origin: germline.
Comment: The SETD5 c.257G>A variant is predicted to result in the amino acid substitution p.Gly86Glu. To our knowledge, this variant has not been reported in the literature or in a large population database, indicating this variant is rare. At this time, the clinical significance of this variant is uncertain due to the absence of conclusive functional and genetic evidence.

NM_001080517.3(SETD5):c.257G>A (p.Gly86Glu)

Gene: SETD5 (SET domain containing 5; plus strand). Cytogenetic location: 3p25.3.
Variant type: single nucleotide variant.
Coding change: c.257G>A on transcript NM_001080517.3 (MANE Select); coding-DNA position 257, G replaced by A.
Protein change: p.Gly86Glu; replaces glycine 86 with glutamic acid.
Molecular consequence: missense variant. On other transcripts: 5 prime UTR variant (2).
Genome position (GRCh38, 1-based): chr3:9,434,413, G>A. VCF-style: chr3-9434413-G-A. GRCh37 (hg19) VCF-style: chr3-9476097-G-A.
Other names: c.-77G>A (NM_001292043.2); c.-118G>A (NM_001349451.2); short protein forms G86E.
Identifiers: ClinVar variation 2636479 (VCV002636479.1), dbSNP rs1289716190, ClinGen allele CA351682777.